The following is an entry in ClinVar:

ClinVar aggregate classification (germline): Uncertain significance (1 of 4 stars; one submission).

Conditions:
Hereditary cancer-predisposing syndrome. Also called: Hereditary Cancer Syndrome; Hereditary neoplastic syndrome; Neoplastic Syndromes, Hereditary; Tumor predisposition. Identifiers: Orphanet 140162, MedGen C0027672, MeSH D009386, MONDO:0015356.

Submission:

Ambry Genetics
Classification: Uncertain significance for Hereditary cancer-predisposing syndrome. Last evaluated: 2025-01-06. Review status: criteria provided, single submitter. Criteria: Ambry Variant Classification Scheme 2023. Collection method: clinical testing. Allele origin: germline.
Comment: The p.P50R variant (also known as c.149C>G), located in coding exon 1 of the AXIN2 gene, results from a C to G substitution at nucleotide position 149. The proline at codon 50 is replaced by arginine, an amino acid with dissimilar properties. This amino acid position is not well conserved in available vertebrate species. In addition, this alteration is predicted to be tolerated by in silico analysis. Since supporting evidence is limited at this time, the clinical significance of this alteration remains unclear.

NM_004655.4(AXIN2):c.149C>G (p.Pro50Arg)

Gene: AXIN2 (axin 2; minus strand). Cytogenetic location: 17q24.1.
Variant type: single nucleotide variant.
Coding change: c.149C>G on transcript NM_004655.4 (MANE Select); coding-DNA position 149, C replaced by G.
Protein change: p.Pro50Arg; replaces proline 50 with arginine.
Molecular consequence: missense variant.
Genome position (GRCh38, 1-based): chr17:65,558,472, G>C on the plus strand (C>G on the coding strand, the complement: AXIN2 is on the minus strand). VCF-style: chr17-65558472-G-C. GRCh37 (hg19) VCF-style: chr17-63554590-G-C.
Other names: c.149C>G, p.Pro50Arg (NM_001363813.1); short protein forms P50R.
Identifiers: ClinVar variation 1773950 (VCV001773950.3), dbSNP rs2044309012, ClinGen allele CA400682024.